The following is an entry in ClinVar:

ClinVar aggregate classification (germline): Pathogenic (1 of 4 stars; one submission).

Submission:

GeneDx
Classification: Pathogenic. Last evaluated: 2017-06-22. Review status: criteria provided, single submitter. Criteria: GeneDx Variant Classification (06012015). Collection method: clinical testing. Allele origin: germline. Affected: yes.
Comment: The c.4149dupC pathogenic variant in the TSC2 gene causes a frameshift starting with codon Lysine 1348, changes this amino acid to a Glutamine residue and creates a premature Stop codon at position 30 of the new reading frame, denoted p.Lys1384GlnfsX30. This pathogenic variant is predicted to cause loss of normal protein function either through protein truncation or nonsense-mediated mRNA decay.

NM_000548.5(TSC2):c.4149dup (p.Lys1384fs)

Gene: TSC2 (TSC complex subunit 2; plus strand). Cytogenetic location: 16p13.3.
Variant type: Duplication.
Coding change: c.4149dup on transcript NM_000548.5 (MANE Select); coding-DNA position 4149, one base duplicated (C; older notation c.4149dupC).
Protein change: p.Lys1384fs; shifts the reading frame from lysine 1384.
Molecular consequence: frameshift variant.
Genome position (GRCh38, 1-based): chr16:2,084,371, C duplicated. VCF-style (leftmost placement, unchanged base first): chr16-2084370-G-GC. GRCh37 (hg19) VCF-style: chr16-2134371-G-GC.
Other names: c.4149dupC (NM_000548.3); c.3948dup, p.Lys1317fs (NM_001077183.3); c.4080dup, p.Lys1361fs (NM_001114382.3); c.3840dup, p.Lys1281fs (NM_001318827.2); c.3804dup, p.Lys1269fs (NM_001318829.2); c.3417dup, p.Lys1140fs (NM_001318831.2); c.3981dup, p.Lys1328fs (NM_001318832.2); c.3951dup, p.Lys1318fs (NM_001363528.2); and 2 more; short protein forms K1318fs, K1328fs, K1269fs, K1340fs, K1341fs, K1361fs, K1140fs, K1281fs.
Identifiers: ClinVar variation 432951 (VCV000432951.2), dbSNP rs1555514063, ClinGen allele CA645373025.